The following is an entry in ClinVar:

ClinVar aggregate classification (germline): Conflicting classifications of pathogenicity. Review status: criteria provided, conflicting classifications (1 of 4 stars). 8 submissions from 8 submitters: Uncertain significance (4); Benign (2); Likely benign (1). 1 of the submissions does not count toward it. Last evaluated 2025-12-21.

Conditions:
Juvenile polyposis syndrome (JPS). Identifiers: Orphanet 2929, MedGen C0345893, MONDO:0017380, OMIM 174900.
Hereditary cancer-predisposing syndrome. Also called: Neoplastic Syndromes, Hereditary; Hereditary Cancer Syndrome; Hereditary neoplastic syndrome; Tumor predisposition. Identifiers: Orphanet 140162, MedGen C0027672, MeSH D009386, MONDO:0015356.

Allele frequency attached by ClinVar (database versions not stated): gnomAD 0.00005 and 0.00004; gnomAD exomes 0.00005 and 0.00008; TOPMed 0.00001; ExAC 0.00002.
gnomAD v4.1: 75 of 1,614,008 alleles (0.0046%); highest among the groups gnomAD compares: Non-Finnish European, 0.0019%; no homozygotes.

Submissions (8):

Labcorp Genetics (formerly Invitae), Labcorp
Classification: Likely benign for Juvenile polyposis syndrome. Last evaluated: 2025-12-21. Review status: criteria provided, single submitter. Criteria: Invitae Variant Classification Sherloc (09022015). Collection method: clinical testing. Allele origin: germline.

Color Diagnostics, LLC DBA Color Health
Classification: Benign for Hereditary cancer-predisposing syndrome. Last evaluated: 2025-07-09. Review status: criteria provided, single submitter. Criteria: ACMG Guidelines, 2015. Collection method: clinical testing. Allele origin: germline.

St. Jude Molecular Pathology, St. Jude Children's Research Hospital
Classification: Uncertain significance for Juvenile polyposis syndrome. Last evaluated: 2024-07-25. Review status: criteria provided, single submitter. Criteria: St. Jude Assertion Criteria 2020. Collection method: clinical testing. Allele origin: germline.
Comment: The BMPR1A c.1216C>T (p.Arg406Cys) missense change has a maximum subpopulation frequency of 0.0023% in gnomAD v2.1.1. The in silico tool REVEL predicts a deleterious effect on protein function, but to our knowledge this prediction has not been confirmed by functional studies. This variant has been reported in individuals with colorectal cancer (PMID: 29212164). To our knowledge, this variant has not been reported in individuals with juvenile polyposis syndrome. A missense variant in the same amino acid residue, R406L, was reported in one individual presenting syndromic features (PMID: 31493347). Functional studies on chondrocytes with R406L showed increased cell death, altered BMP signaling, and reduced Sox9 expression. Western blot and immunofluorescence analyses demonstrated changes in canonical and noncanonical BMP pathways (PMID: 31493347). In summary, the evidence currently available is insufficient to determine the clinical significance of this variant. It has therefore been classified as of uncertain significance.

Myriad Genetics, Inc.
Classification: Uncertain significance for Juvenile polyposis syndrome. Last evaluated: 2023-03-02. Review status: criteria provided, single submitter. Criteria: Myriad Autosomal Dominant, Autosomal Recessive and X-Linked Classification Criteria (2023). Collection method: clinical testing. Allele origin: unknown.
Comment: This variant is classified as a variant of uncertain significance as there is insufficient evidence to determine its impact on protein function and/or cancer risk.

GeneDx
Classification: Uncertain significance. Last evaluated: 2022-09-26. Review status: criteria provided, single submitter. Criteria: GeneDx Variant Classification Process June 2021. Collection method: clinical testing. Allele origin: germline. Affected: yes.
Comment: In silico analysis supports that this missense variant has a deleterious effect on protein structure/function; Observed in individuals with colorectal cancer or idiopathic pulmonary arterial hypertension in the published literature (Raskin et al., 2017; Zhu et al., 2019); This variant is associated with the following publications: (PMID: 29212164, 27930734, 31727138)

Sema4
Classification: Uncertain significance for Hereditary cancer-predisposing syndrome. Last evaluated: 2022-02-10. Review status: criteria provided, single submitter. Criteria: Sema4 Curation Guidelines. Collection method: curation. Allele origin: germline.
Comment: The BMPR1A c.1216C>T (p.R406C) variant has been reported in heterozygosity in at least two individuals with colorectal cancer (PMID: 29212164). It was observed in 19/25124 chromosomes of the Finnish subpopulation in the large and broad cohorts of the Genome Aggregation Database (PMID: 32461654). The variant has been reported in ClinVar (Variation ID 140868). Functional studies have not been performed, and in silico predictions of the variant's effect on protein function are inconclusive. The evidence is insufficient to meet ACMG/AMP criteria for classifying the variant as benign or pathogenic. Thus, the clinical significance of this variant is currently uncertain.

Ambry Genetics
Classification: Benign for Hereditary cancer-predisposing syndrome. Last evaluated: 2022-02-01. Review status: criteria provided, single submitter. Criteria: Ambry Variant Classification Scheme 2023. Collection method: clinical testing. Allele origin: germline.

Counsyl
Classification: Uncertain significance for Juvenile polyposis syndrome. Last evaluated: 2016-06-01. Review status: no assertion criteria provided. Collection method: clinical testing. Allele origin: unknown. Not counted in ClinVar's aggregate classification.

Literature cited by the submitters: PubMed 29212164 (cited by Sema4 and Ambry Genetics).

NM_004329.3(BMPR1A):c.1216C>T (p.Arg406Cys)

Gene: BMPR1A (bone morphogenetic protein receptor type 1A; plus strand). Cytogenetic location: 10q23.2.
Variant type: single nucleotide variant.
Coding change: c.1216C>T on transcript NM_004329.3 (MANE Select); coding-DNA position 1216, C replaced by T.
Protein change: p.Arg406Cys; replaces arginine 406 with cysteine.
Molecular consequence: missense variant.
Genome position (GRCh38, 1-based): chr10:86,921,569, C>T. VCF-style: chr10-86921569-C-T. GRCh37 (hg19) VCF-style: chr10-88681326-C-T.
Other names: short protein forms R406C.
Identifiers: ClinVar variation 140868 (VCV000140868.26), dbSNP rs587781332, ClinGen allele CA163782.